The following is an entry in ClinVar:

ClinVar aggregate classification (germline): Likely pathogenic (1 of 4 stars; one submission).

Conditions:
MAGEL2-related disorder. Also called: MAGEL2-related condition.

Submission:

PreventionGenetics, part of Exact Sciences
Classification: Likely pathogenic for MAGEL2-related condition. Last evaluated: 2025-02-26. Review status: criteria provided, single submitter. Criteria: ACMG Guidelines, 2015. Collection method: clinical testing. Allele origin: germline.
Comment: The MAGEL2 c.2623delT variant is predicted to result in a frameshift and premature protein termination (p.Ser875Profs*29). To our knowledge, this variant has not been reported in the literature or in a large population database (gnomAD), indicating it is rare. Frameshift variants in MAGEL2 are expected to be pathogenic. This variant is interpreted as likely pathogenic.

NM_019066.5(MAGEL2):c.2623del (p.Ser875fs)

Gene: MAGEL2 (MAGE family member L2; minus strand). Cytogenetic location: 15q11.2.
Variant type: Deletion.
Coding change: c.2623del on transcript NM_019066.5 (MANE Select); coding-DNA position 2623, one base deleted (T; older notation c.2623delT).
Protein change: p.Ser875fs; shifts the reading frame from serine 875.
Molecular consequence: frameshift variant.
Genome position (GRCh38, 1-based): chr15:23,645,120, A deleted on the plus strand (T on the coding strand, the reverse complement: MAGEL2 is on the minus strand). VCF-style (leftmost placement, unchanged base first): chr15-23645119-GA-G. GRCh37 (hg19) VCF-style: chr15-23890266-GA-G.
Other names: short protein forms S875fs.
Identifiers: ClinVar variation 4986670 (VCV004986670.1).